The following is an entry in ClinVar:

ClinVar aggregate classification (germline): Pathogenic (1 of 4 stars; one submission).

Submission:

Labcorp Genetics (formerly Invitae), Labcorp
Classification: Pathogenic. Last evaluated: 2024-12-04. Review status: criteria provided, single submitter. Criteria: Invitae Variant Classification Sherloc (09022015). Collection method: clinical testing. Allele origin: germline.
Comment: This sequence change creates a premature translational stop signal (p.Ile1575Tyrfs*14) in the MYO7A gene. It is expected to result in an absent or disrupted protein product. Loss-of-function variants in MYO7A are known to be pathogenic (PMID: 8900236, 25404053). This variant is not present in population databases (gnomAD no frequency). This variant has not been reported in the literature in individuals affected with MYO7A-related conditions. For these reasons, this variant has been classified as Pathogenic.

Literature cited by the submitters: PubMed 8900236; PubMed 25404053.

NM_000260.4(MYO7A):c.4722_4723insT (p.Ile1575fs)

Gene: MYO7A (myosin VIIA; plus strand). Cytogenetic location: 11q13.5.
Variant type: Insertion.
Coding change: c.4722_4723insT on transcript NM_000260.4 (MANE Select); coding-DNA positions 4722 to 4723, T inserted.
Protein change: p.Ile1575fs; shifts the reading frame from isoleucine 1575.
Molecular consequence: frameshift variant.
Genome position: GRCh38 VCF-style: chr11-77199688-C-CT. GRCh37 (hg19) VCF-style: chr11-76910733-C-CT.
Other names: c.4608_4609insT, p.Ile1537fs (NM_001127180.2); c.4575_4576insT, p.Ile1526fs (NM_001369365.1); short protein forms I1526fs, I1537fs, I1575fs.
Identifiers: ClinVar variation 3619003 (VCV003619003.2).
Genomic context (GRCh38, chr11:77,199,688, plus strand): 5'-TTCTCCGTGTTGGTCCTGCAGGGGAGCGAAAACGACGGCCCCCAGCTTCACGCTGGCCAC[C>CT]ATCAAGGGGGACGAATACACCTTCACCTCCAGCAATGCTGAGGACATTCGTGACCTGGTG-3'